The following is an entry in ClinVar:

ClinVar aggregate classification (germline): Uncertain significance (1 of 4 stars; one submission).

Conditions:
Early-infantile DEE. Also called: Early infantile epileptic encephalopathy with suppression bursts; Early infantile epileptic encephalopathy; Ohtahara syndrome. Identifiers: Orphanet 1934, MedGen C0393706, MONDO:0800491.

Allele frequency attached by ClinVar (database versions not stated): TOPMed below 0.00001.
gnomAD v4.1: 1 of 1,614,180 alleles (0.000062%); no homozygotes.

Submission:

Labcorp Genetics (formerly Invitae), Labcorp
Classification: Uncertain significance for Early-infantile DEE. Last evaluated: 2022-11-17. Review status: criteria provided, single submitter. Criteria: Invitae Variant Classification Sherloc (09022015). Collection method: clinical testing. Allele origin: germline.
Comment: In summary, the available evidence is currently insufficient to determine the role of this variant in disease. Therefore, it has been classified as a Variant of Uncertain Significance. Advanced modeling of protein sequence and biophysical properties (such as structural, functional, and spatial information, amino acid conservation, physicochemical variation, residue mobility, and thermodynamic stability) performed at Invitae indicates that this missense variant is not expected to disrupt KCNH5 protein function. This variant has not been reported in the literature in individuals affected with KCNH5-related conditions. This variant is not present in population databases (gnomAD no frequency). This sequence change replaces glutamine, which is neutral and polar, with arginine, which is basic and polar, at codon 735 of the KCNH5 protein (p.Gln735Arg).

NM_139318.5(KCNH5):c.2204A>G (p.Gln735Arg)

Gene: KCNH5 (potassium voltage-gated channel subfamily H member 5; minus strand). Cytogenetic location: 14q23.2.
Variant type: single nucleotide variant.
Coding change: c.2204A>G on transcript NM_139318.5 (MANE Select); coding-DNA position 2204, A replaced by G.
Protein change: p.Gln735Arg; replaces glutamine 735 with arginine.
Molecular consequence: missense variant. On other transcripts: 3 prime UTR variant (1).
Genome position (GRCh38, 1-based): chr14:62,708,271, T>C on the plus strand (A>G on the coding strand, the complement: KCNH5 is on the minus strand). VCF-style: chr14-62708271-T-C. GRCh37 (hg19) VCF-style: chr14-63174989-T-C.
Other names: c.*171A>G (NM_172375.3); short protein forms Q735R.
Identifiers: ClinVar variation 1716118 (VCV001716118.5), dbSNP rs1566634116, ClinGen allele CA390101113.
Genomic context (GRCh38, chr14:62,708,271, plus strand): 5'-ACAGTCACCACGCTGGTTCCGGTGATGGAGGCTCCATTCTGTAAGGAGCGGCTCTCTACC[T>C]GGAGTTGGTTCCTCTCAGGGTCACCCTGTGTTGAGCCCTGATTCCGCAGCTCCTTCTGCT-3'
Protein context (NP_647479.2, residues 725-745): TQGDPERNQL[Gln735Arg]VESRSLQNGA